The following is an entry in ClinVar:

NM_001144967.3(NEDD4L):c.1565C>T (p.Thr522Ile)

Gene: NEDD4L (NEDD4 like E3 ubiquitin protein ligase; plus strand). Cytogenetic location: 18q21.31.
Variant type: single nucleotide variant.
Coding change: c.1565C>T on transcript NM_001144967.3 (MANE Select); coding-DNA position 1565, C replaced by T.
Protein change: p.Thr522Ile; replaces threonine 522 with isoleucine.
Molecular consequence: missense variant.
Genome position (GRCh38, 1-based): chr18:58,343,093, C>T. VCF-style: chr18-58343093-C-T. GRCh37 (hg19) VCF-style: chr18-56010325-C-T.
Other names: c.1202C>T, p.Thr401Ile (NM_001144964.1, NM_001144965.2, NM_001144966.3); c.1541C>T, p.Thr514Ile (NM_001144968.2); c.1481C>T, p.Thr494Ile (NM_001144969.2); c.1142C>T, p.Thr381Ile (NM_001144970.3, NM_001144971.2); c.1373C>T, p.Thr458Ile (NM_001243960.2); c.1505C>T, p.Thr502Ile (NM_015277.6); short protein forms T381I, T401I, T458I, T494I, T502I, T514I, T522I.
Identifiers: ClinVar variation 2573916 (VCV002573916.1), dbSNP rs2516876266, ClinGen allele CA402537959.

ClinVar aggregate classification (germline): Uncertain significance (1 of 4 stars; one submission).

Submission:

GeneDx
Classification: Uncertain significance. Last evaluated: 2023-01-24. Review status: criteria provided, single submitter. Criteria: GeneDx Variant Classification Process June 2021. Collection method: clinical testing. Allele origin: germline. Affected: yes.
Comment: Not observed at significant frequency in large population cohorts (gnomAD); In silico analysis supports that this missense variant has a deleterious effect on protein structure/function; Has not been previously published as pathogenic or benign to our knowledge